The following is an entry in ClinVar:

ClinVar aggregate classification (germline): Pathogenic. Review status: reviewed by expert panel (3 of 4 stars). 2 submissions from 2 submitters: Pathogenic (1). 1 of the submissions does not count toward it. Last evaluated 2017-12-15.

Conditions:
Hereditary breast ovarian cancer syndrome. Also called: Hereditary breast and ovarian cancer syndrome; Hereditary breast and ovarian cancer; Hereditary breast and ovarian cancer syndrome (HBOC); Breast and ovarian cancer; Hereditary breast and/or ovarian cancer syndrome; BRCA1- and BRCA2-Associated Hereditary Breast and Ovarian Cancer. Identifiers: Orphanet 145, MedGen C0677776, MeSH D061325, MONDO:0003582. Disease mechanism: loss of function.
Breast-ovarian cancer, familial, susceptibility to, 2 (BROVCA2). Also called: BRCA2 Hereditary Breast and Ovarian Cancer. Identifiers: Orphanet 145, MedGen C2675520, MONDO:0012933, OMIM 612555. Disease mechanism: loss of function.

Submissions (2):

Evidence-based Network for the Interpretation of Germline Mutant Alleles (ENIGMA)
Classification: Pathogenic for Breast-ovarian cancer, familial, susceptibility to, 2. Last evaluated: 2017-12-15. Review status: reviewed by expert panel. Criteria: ENIGMA BRCA1/2 Classification Criteria (2017-06-29). Collection method: curation. Allele origin: germline. Study: ENIGMA.
Comment: Variant allele predicted to encode a truncated non-functional protein.

Labcorp Genetics (formerly Invitae), Labcorp
Classification: Pathogenic for Hereditary breast ovarian cancer syndrome. Last evaluated: 2016-09-05. Review status: criteria provided, single submitter. Criteria: Invitae Variant Classification Sherloc (09022015). Collection method: clinical testing. Allele origin: germline. Not counted in ClinVar's aggregate classification.
Comment: Loss-of-function variants in BRCA2 are known to be pathogenic. This particular variant has been reported in the literature (PMID:22970155). For these reasons, this variant has been classified as Pathogenic. This sequence change deletes 1 nucleotide from exon 11 of the BRCA2 mRNA (c.3836delA), causing a frameshift at codon 1279. This creates a premature translational stop signal (p.Asn1279Metfs*5) and is expected to result in an absent or disrupted protein product.

Literature cited by the submitters: PubMed 22970155 (cited by Labcorp Genetics (formerly Invitae), Labcorp).

NM_000059.4(BRCA2):c.3836del (p.Asn1279fs)

Gene: BRCA2 (BRCA2 DNA repair associated; plus strand). Cytogenetic location: 13q13.1.
Variant type: Deletion.
Coding change: c.3836del on transcript NM_000059.4 (MANE Select); coding-DNA position 3836, one base deleted (A; older notation c.3836delA).
Protein change: p.Asn1279fs; shifts the reading frame from asparagine 1279.
Molecular consequence: frameshift variant.
Genome position (GRCh38, 1-based): chr13:32,338,191, A deleted; the last of 2 consecutive A bases (chr13:32,338,190-32,338,191); deleting either gives the same sequence. VCF-style (leftmost placement, unchanged base first): chr13-32338189-TA-T. GRCh37 (hg19) VCF-style: chr13-32912326-TA-T.
Other names: c.3836delA (NM_000059.3); short protein forms N1279fs.
Identifiers: ClinVar variation 51535 (VCV000051535.7), dbSNP rs397507690, ClinGen allele CA018897.